The following is an entry in ClinVar:

ClinVar aggregate classification (germline): Uncertain significance. Review status: criteria provided, multiple submitters, no conflicts (2 of 4 stars). 2 submissions from 2 submitters: Uncertain significance (2). Last evaluated 2022-09-28.

Conditions:
Familial adenomatous polyposis 1 (FAP1). Also called: FAMILIAL ADENOMATOUS POLYPOSIS 1, ATTENUATED; POLYPOSIS, ADENOMATOUS INTESTINAL. Identifiers: MedGen C2713442, MONDO:0021056, OMIM 175100. Disease mechanism: loss of function.
Hereditary cancer-predisposing syndrome. Also called: Tumor predisposition; Hereditary Cancer Syndrome; Neoplastic Syndromes, Hereditary; Hereditary neoplastic syndrome. Identifiers: Orphanet 140162, MedGen C0027672, MeSH D009386, MONDO:0015356.

Submissions (2):

Labcorp Genetics (formerly Invitae), Labcorp
Classification: Uncertain significance for Familial adenomatous polyposis 1. Last evaluated: 2022-09-28. Review status: criteria provided, single submitter. Criteria: Invitae Variant Classification Sherloc (09022015). Collection method: clinical testing. Allele origin: germline.
Comment: In summary, the available evidence is currently insufficient to determine the role of this variant in disease. Therefore, it has been classified as a Variant of Uncertain Significance. Advanced modeling of protein sequence and biophysical properties (such as structural, functional, and spatial information, amino acid conservation, physicochemical variation, residue mobility, and thermodynamic stability) performed at Invitae indicates that this missense variant is not expected to disrupt APC protein function. ClinVar contains an entry for this variant (Variation ID: 822220). This variant has not been reported in the literature in individuals affected with APC-related conditions. This variant is not present in population databases (gnomAD no frequency). This sequence change replaces lysine, which is basic and polar, with arginine, which is basic and polar, at codon 377 of the APC protein (p.Lys377Arg).

Ambry Genetics
Classification: Uncertain significance for Hereditary cancer-predisposing syndrome. Last evaluated: 2019-09-05. Review status: criteria provided, single submitter. Criteria: Ambry Variant Classification Scheme 2023. Collection method: clinical testing. Allele origin: germline.
Comment: The p.K377R variant (also known as c.1130A>G), located in coding exon 9 of the APC gene, results from an A to G substitution at nucleotide position 1130. The lysine at codon 377 is replaced by arginine, an amino acid with highly similar properties. This amino acid position is highly conserved in available vertebrate species. In addition, in silico predictors for this gene do not accurately predict pathogenicity. Since supporting evidence is limited at this time, the clinical significance of this alteration remains unclear.

NM_000038.6(APC):c.1130A>G (p.Lys377Arg)

Gene: APC (APC regulator of Wnt signaling pathway; plus strand). Cytogenetic location: 5q22.2.
Variant type: single nucleotide variant.
Coding change: c.1130A>G on transcript NM_000038.6 (MANE Select); coding-DNA position 1130, A replaced by G.
Protein change: p.Lys377Arg; replaces lysine 377 with arginine.
Molecular consequence: missense variant. On other transcripts: intron variant (4).
Genome position (GRCh38, 1-based): chr5:112,819,162, A>G. VCF-style: chr5-112819162-A-G. GRCh37 (hg19) VCF-style: chr5-112154859-A-G.
Other names: c.1130A>G, p.Lys377Arg (NM_001127510.3, NM_001354895.2, NM_001354896.2); c.1076A>G, p.Lys359Arg (NM_001127511.3); c.1160A>G, p.Lys387Arg (NM_001354897.2); c.1055A>G, p.Lys352Arg (NM_001354898.2); c.1046A>G, p.Lys349Arg (NM_001354899.2); c.953A>G, p.Lys318Arg (NM_001354900.2, NM_001354901.2); c.281A>G, p.Lys94Arg (NM_001354906.2); c.964-107A>G (NM_001354902.2); and 3 more; short protein forms K318R, K349R, K377R, K359R, K94R, K352R, K387R.
Identifiers: ClinVar variation 822220 (VCV000822220.8), dbSNP rs1580529630, ClinGen allele CA16023782.